The following is an entry in ClinVar:

ClinVar aggregate classification (germline): Uncertain significance. Review status: criteria provided, multiple submitters, no conflicts (2 of 4 stars). 2 submissions from 2 submitters: Uncertain significance (2). Last evaluated 2025-04-20.

Conditions:
TNFRSF6B-related disorder. Also called: TNFRSF6B-related condition.

Allele frequency attached by ClinVar (database versions not stated): gnomAD 0.00001; gnomAD exomes 0.00003; TOPMed 0.00003; ExAC 0.00006; ESP Exome Variant Server 0.00016.

Submissions (2):

Labcorp Genetics (formerly Invitae), Labcorp
Classification: Uncertain significance. Last evaluated: 2025-04-20. Review status: criteria provided, single submitter. Criteria: Invitae Variant Classification Sherloc (09022015). Collection method: clinical testing. Allele origin: germline.
Comment: This sequence change replaces arginine, which is basic and polar, with cysteine, which is neutral and slightly polar, at codon 116 of the TNFRSF6B protein (p.Arg116Cys). This variant is present in population databases (rs376086304, gnomAD 0.006%). This variant has not been reported in the literature in individuals affected with TNFRSF6B-related conditions. ClinVar contains an entry for this variant (Variation ID: 1042596). An algorithm developed to predict the effect of missense changes on protein structure and function (PolyPhen-2) suggests that this variant is likely to be disruptive. In summary, the available evidence is currently insufficient to determine the role of this variant in disease. Therefore, it has been classified as a Variant of Uncertain Significance.

PreventionGenetics, part of Exact Sciences
Classification: Uncertain significance for TNFRSF6B-related condition. Last evaluated: 2022-09-23. Review status: criteria provided, single submitter. Criteria: ACMG Guidelines, 2015. Collection method: clinical testing. Allele origin: germline.
Comment: The TNFRSF6B c.346C>T variant is predicted to result in the amino acid substitution p.Arg116Cys. To our knowledge, this variant has not been reported in the literature. This variant is reported in 0.0059% of alleles in individuals of East Asian descent in gnomAD. At this time, the clinical significance of this variant is uncertain due to the absence of conclusive functional and genetic evidence.

NM_003823.4(TNFRSF6B):c.346C>T (p.Arg116Cys)

Genes: RTEL1-TNFRSF6B (RTEL1-TNFRSF6B readthrough (NMD candidate); plus strand), TNFRSF6B (TNF receptor superfamily member 6b; plus strand). Cytogenetic location: 20q13.33.
Variant type: single nucleotide variant.
Coding change: c.346C>T on transcript NM_003823.4 (MANE Select); coding-DNA position 346, C replaced by T.
Protein change: p.Arg116Cys; replaces arginine 116 with cysteine.
Molecular consequence: missense variant. On other transcripts: non-coding transcript variant (1).
Genome position (GRCh38, 1-based): chr20:63,697,113, C>T. VCF-style: chr20-63697113-C-T. GRCh37 (hg19) VCF-style: chr20-62328466-C-T.
Other names: c.346C>T (NM_003823.3); short protein forms R116C.
Identifiers: ClinVar variation 1042596 (VCV001042596.7), dbSNP rs376086304, ClinGen allele CA9966416.